The following is an entry in ClinVar:

NM_001184900.3(CARD8):c.1057C>G (p.Arg353Gly)

Gene: CARD8 (caspase recruitment domain family member 8; minus strand). Cytogenetic location: 19q13.33.
Variant type: single nucleotide variant.
Coding change: c.1057C>G on transcript NM_001184900.3 (MANE Select); coding-DNA position 1057, C replaced by G.
Protein change: p.Arg353Gly; replaces arginine 353 with glycine.
Molecular consequence: missense variant. On other transcripts: non-coding transcript variant (3).
Genome position (GRCh38, 1-based): chr19:48,221,834, G>C on the plus strand (C>G on the coding strand, the complement: CARD8 is on the minus strand). VCF-style: chr19-48221834-G-C. GRCh37 (hg19) VCF-style: chr19-48725091-G-C.
Other names: c.907C>G, p.Arg303Gly (NM_001184901.1, NM_001351783.2, NM_001351788.2 and 2 more transcripts); c.1057C>G, p.Arg353Gly (NM_001184902.2, NM_001184903.1, NM_001351782.2); c.742C>G, p.Arg248Gly (NM_001351784.2, NM_001351787.2, NM_001351791.2 and 1 more transcripts); c.721C>G, p.Arg241Gly (NM_001351786.2); c.814C>G, p.Arg272Gly (NM_001351790.2); c.739C>G, p.Arg247Gly (NM_001365950.1); short protein forms R241G, R247G, R248G, R272G, R303G, R353G.
Identifiers: ClinVar variation 1349335 (VCV001349335.8), dbSNP rs140937765, ClinGen allele CA9547808.

ClinVar aggregate classification (germline): Uncertain significance (1 of 4 stars; one submission).

gnomAD v4.1: 27 of 1,602,988 alleles (0.0017%); highest among the groups gnomAD compares: African/African-American, 0.004%; no homozygotes.

Submission:

Labcorp Genetics (formerly Invitae), Labcorp
Classification: Uncertain significance. Last evaluated: 2025-08-24. Review status: criteria provided, single submitter. Criteria: Invitae Variant Classification Sherloc (09022015). Collection method: clinical testing. Allele origin: germline.
Comment: This sequence change replaces arginine, which is basic and polar, with glycine, which is neutral and non-polar, at codon 303 of the CARD8 protein (p.Arg303Gly). This variant is present in population databases (rs140937765, gnomAD 0.002%). This variant has not been reported in the literature in individuals affected with CARD8-related conditions. ClinVar contains an entry for this variant (Variation ID: 1349335). An algorithm developed to predict the effect of missense changes on protein structure and function (PolyPhen-2) suggests that this variant is likely to be disruptive. In summary, the available evidence is currently insufficient to determine the role of this variant in disease. Therefore, it has been classified as a Variant of Uncertain Significance.